The following is an entry in ClinVar:

NM_006231.4(POLE):c.3692G>A (p.Arg1231Lys)

Gene: POLE (DNA polymerase epsilon, catalytic subunit; minus strand). Cytogenetic location: 12q24.33.
Variant type: single nucleotide variant.
Coding change: c.3692G>A on transcript NM_006231.4 (MANE Select); coding-DNA position 3692, G replaced by A.
Protein change: p.Arg1231Lys; replaces arginine 1231 with lysine.
Molecular consequence: missense variant.
Genome position (GRCh38, 1-based): chr12:132,649,780, C>T on the plus strand (G>A on the coding strand, the complement: POLE is on the minus strand). VCF-style: chr12-132649780-C-T. GRCh37 (hg19) VCF-style: chr12-133226366-C-T.
Other names: c.3692G>A (NM_006231.2); short protein forms R1231K.
Identifiers: ClinVar variation 570378 (VCV000570378.9), dbSNP rs1271903915, ClinGen allele CA387386550.

ClinVar aggregate classification (germline): Uncertain significance. Review status: criteria provided, multiple submitters, no conflicts (2 of 4 stars). 3 submissions from 3 submitters: Uncertain significance (2). 1 of the submissions does not count toward it. Last evaluated 2025-06-21.

Conditions:
POLE-related disorder. Also called: POLE-related condition; POLE-related disorders.
Hereditary cancer-predisposing syndrome. Also called: Hereditary neoplastic syndrome; Tumor predisposition; Neoplastic Syndromes, Hereditary; Hereditary Cancer Syndrome. Identifiers: Orphanet 140162, MedGen C0027672, MeSH D009386, MONDO:0015356.

Allele frequency attached by ClinVar (database versions not stated): TOPMed below 0.00001; gnomAD 0.00001.
gnomAD v4.1: 1 of 1,614,104 alleles (0.000062%); highest among the groups gnomAD compares: African/African-American, 0.0013%; no homozygotes.

Submissions (3):

Ambry Genetics
Classification: Uncertain significance for Hereditary cancer-predisposing syndrome. Last evaluated: 2025-06-21. Review status: criteria provided, single submitter. Criteria: Ambry Variant Classification Scheme 2023. Collection method: clinical testing. Allele origin: germline.
Comment: The p.R1231K variant (also known as c.3692G>A), located in coding exon 30 of the POLE gene, results from a G to A substitution at nucleotide position 3692. The arginine at codon 1231 is replaced by lysine, an amino acid with highly similar properties. This amino acid position is conserved. In addition, this alteration is predicted to be tolerated by in silico analysis. Based on the available evidence, the clinical significance of this variant remains unclear.

Labcorp Genetics (formerly Invitae), Labcorp
Classification: Uncertain significance. Last evaluated: 2025-01-21. Review status: criteria provided, single submitter. Criteria: Invitae Variant Classification Sherloc (09022015). Collection method: clinical testing. Allele origin: germline.
Comment: This sequence change replaces arginine, which is basic and polar, with lysine, which is basic and polar, at codon 1231 of the POLE protein (p.Arg1231Lys). This variant is not present in population databases (gnomAD no frequency). This variant has not been reported in the literature in individuals affected with POLE-related conditions. ClinVar contains an entry for this variant (Variation ID: 570378). Invitae Evidence Modeling of protein sequence and biophysical properties (such as structural, functional, and spatial information, amino acid conservation, physicochemical variation, residue mobility, and thermodynamic stability) indicates that this missense variant is not expected to disrupt POLE protein function with a negative predictive value of 80%. In summary, the available evidence is currently insufficient to determine the role of this variant in disease. Therefore, it has been classified as a Variant of Uncertain Significance.

PreventionGenetics, part of Exact Sciences
Classification: Uncertain significance for POLE-related condition. Last evaluated: 2024-02-28. Review status: no assertion criteria provided. Collection method: clinical testing. Allele origin: germline. Not counted in ClinVar's aggregate classification.
Comment: The POLE c.3692G>A variant is predicted to result in the amino acid substitution p.Arg1231Lys. To our knowledge, this variant has not been reported in the literature or in a large population database, indicating this variant is rare. This variant is interpreted as a variant of uncertain significance in ClinVar. At this time, the clinical significance of this variant is uncertain due to the absence of conclusive functional and genetic evidence.